The following is an entry in ClinVar:

NM_004285.4(H6PD):c.901C>T (p.Arg301Trp)

Gene: H6PD (hexose-6-phosphate dehydrogenase/glucose 1-dehydrogenase; plus strand). Cytogenetic location: 1p36.22.
Variant type: single nucleotide variant.
Coding change: c.901C>T on transcript NM_004285.4 (MANE Select); coding-DNA position 901, C replaced by T.
Protein change: p.Arg301Trp; replaces arginine 301 with tryptophan.
Molecular consequence: missense variant.
Genome position (GRCh38, 1-based): chr1:9,262,214, C>T. VCF-style: chr1-9262214-C-T. GRCh37 (hg19) VCF-style: chr1-9322273-C-T.
Other names: c.934C>T, p.Arg312Trp (NM_001282587.2); short protein forms R301W, R312W.
Identifiers: ClinVar variation 1696989 (VCV001696989.5), dbSNP rs150901527, ClinGen allele CA575117.
Genomic context (GRCh38, chr1:9,262,214, plus strand): 5'-CACAATGTCAGCAGTGCGGAGGCTGTGCTGCGGCACAAGCTTCAGGTCTTCCAGGCGCTG[C>T]GGGGCCTGCAGAGGGGCAGTGCCGTCGTGGGCCAGTACCAGTCTTACAGTGAGCAGGTGC-3'
Protein context (NP_004276.2, residues 291-311): RHKLQVFQAL[Arg301Trp]GLQRGSAVVG

ClinVar aggregate classification (germline): Uncertain significance. Review status: criteria provided, multiple submitters, no conflicts (2 of 4 stars). 3 submissions from 3 submitters: Uncertain significance (3). Last evaluated 2025-08-04.

Conditions:
Cortisone reductase deficiency 1 (CORTRD1). Identifiers: Orphanet 168588, MedGen C3551716, MONDO:0011503, OMIM 604931.

Allele frequency attached by ClinVar (database versions not stated): ESP Exome Variant Server 0.00015; 1000 Genomes Project 30x 0.00031; 1000 Genomes Project 0.00040.
gnomAD v4.1: 378 of 1,613,992 alleles (0.023%); highest among the groups gnomAD compares: East Asian, 0.26%; no homozygotes.

Submissions (3):

Labcorp Genetics (formerly Invitae), Labcorp
Classification: Uncertain significance. Last evaluated: 2025-08-04. Review status: criteria provided, single submitter. Criteria: Invitae Variant Classification Sherloc (09022015). Collection method: clinical testing. Allele origin: germline.
Comment: This sequence change replaces arginine, which is basic and polar, with tryptophan, which is neutral and slightly polar, at codon 301 of the H6PD protein (p.Arg301Trp). This variant is present in population databases (rs150901527, gnomAD 0.2%). This variant has not been reported in the literature in individuals affected with H6PD-related conditions. ClinVar contains an entry for this variant (Variation ID: 1696989). Invitae Evidence Modeling of protein sequence and biophysical properties (such as structural, functional, and spatial information, amino acid conservation, physicochemical variation, residue mobility, and thermodynamic stability) indicates that this missense variant is not expected to disrupt H6PD protein function with a negative predictive value of 80%. In summary, the available evidence is currently insufficient to determine the role of this variant in disease. Therefore, it has been classified as a Variant of Uncertain Significance.

GeneDx
Classification: Uncertain significance. Last evaluated: 2022-01-13. Review status: criteria provided, single submitter. Criteria: GeneDx Variant Classification Process June 2021. Collection method: clinical testing. Allele origin: germline. Affected: yes.
Comment: In silico analysis supports that this missense variant has a deleterious effect on protein structure/function; Has not been previously published as pathogenic or benign to our knowledge

Juno Genomics, Hangzhou Juno Genomics, Inc
Classification: Uncertain significance for Cortisone reductase deficiency 1. Review status: criteria provided, single submitter. Criteria: ACMG Guidelines, 2015. Collection method: clinical testing. Allele origin: germline.
Comment: Absent from controls (or at extremely low frequency if recessive) in Genome Aggregation Database.